The following is an entry in ClinVar:

ClinVar aggregate classification (germline): Pathogenic (1 of 4 stars; one submission).

Conditions:
Juvenile polyposis syndrome (JPS). Identifiers: Orphanet 2929, MedGen C0345893, MONDO:0017380, OMIM 174900.

Submission:

Labcorp Genetics (formerly Invitae), Labcorp
Classification: Pathogenic for Juvenile polyposis syndrome. Last evaluated: 2019-11-16. Review status: criteria provided, single submitter. Criteria: Invitae Variant Classification Sherloc (09022015). Collection method: clinical testing. Allele origin: germline.
Comment: This variant is a gross deletion of the genomic region encompassing the promoter and coding exons 3-7 of the BMPR1A gene, which includes the initiator codon. The 5' end of this event is unknown as it extends beyond the assayed region for this gene and therefore may encompass additional genes. The 3' boundary is likely confined to intron 7 of the BMPR1A gene. This is expected to result in an absent or disrupted protein product. This variant has not been reported in the literature in individuals with BMPR1A-related conditions. Loss-of-function variants in BMPR1A are known to be pathogenic (PMID: 11536076, 12417513). For these reasons, this variant has been classified as Pathogenic.

Literature cited by the submitters: PubMed 11536076; PubMed 12417513.

NC_000010.10:g.(?_88598623)_(88659889_?)del

Gene: BMPR1A (bone morphogenetic protein receptor type 1A; plus strand). Cytogenetic location: 10q23.2.
Variant type: Deletion.
Identifiers: ClinVar variation 1076985 (VCV001076985.2).